The following is an entry in ClinVar:

NM_001018115.3(FANCD2):c.1577C>T (p.Pro526Leu)

Genes: FANCD2 (FA complementation group D2; plus strand), LOC107303338 (3p25 FANCD2 Alu-mediated recombination region; plus strand). Cytogenetic location: 3p25.3.
Variant type: single nucleotide variant.
Coding change: c.1577C>T on transcript NM_001018115.3 (MANE Select); coding-DNA position 1577, C replaced by T.
Protein change: p.Pro526Leu; replaces proline 526 with leucine.
Molecular consequence: missense variant. On other transcripts: intron variant (1).
Genome position (GRCh38, 1-based): chr3:10,052,418, C>T. VCF-style: chr3-10052418-C-T. GRCh37 (hg19) VCF-style: chr3-10094102-C-T.
Other names: c.1577C>T, p.Pro526Leu (NM_001319984.2, NM_001374254.1, NM_033084.6); c.1545+2913C>T (NM_001374253.1); short protein forms P526L.
Identifiers: ClinVar variation 3706919 (VCV003706919.1).

ClinVar aggregate classification (germline): Uncertain significance (1 of 4 stars; one submission).

Conditions:
Fanconi anemia (FA). Also called: Fanconi's anemia. Identifiers: Orphanet 84, MedGen C0015625, MeSH D005199, MONDO:0019391.

gnomAD v4.1: 1 of 1,613,312 alleles (0.000062%); highest among the groups gnomAD compares: Non-Finnish European, 0.000085%; no homozygotes.

Submission:

Labcorp Genetics (formerly Invitae), Labcorp
Classification: Uncertain significance for Fanconi anemia. Last evaluated: 2024-06-30. Review status: criteria provided, single submitter. Criteria: Invitae Variant Classification Sherloc (09022015). Collection method: clinical testing. Allele origin: germline.
Comment: This sequence change replaces proline, which is neutral and non-polar, with leucine, which is neutral and non-polar, at codon 526 of the FANCD2 protein (p.Pro526Leu). This variant is not present in population databases (gnomAD no frequency). This variant has not been reported in the literature in individuals affected with FANCD2-related conditions. Advanced modeling of protein sequence and biophysical properties (such as structural, functional, and spatial information, amino acid conservation, physicochemical variation, residue mobility, and thermodynamic stability) performed at Invitae indicates that this missense variant is not expected to disrupt FANCD2 protein function with a negative predictive value of 80%. In summary, the available evidence is currently insufficient to determine the role of this variant in disease. Therefore, it has been classified as a Variant of Uncertain Significance.